The following is an entry in ClinVar:

ClinVar aggregate classification (germline): Benign. Review status: criteria provided, multiple submitters, no conflicts (2 of 4 stars). 4 submissions from 4 submitters: Benign (3). 1 of the submissions does not count toward it. Last evaluated 2019-12-31.

Conditions:
MYO1F-related disorder. Also called: MYO1F-related condition.

Allele frequency attached by ClinVar (database versions not stated): gnomAD exomes 0.00271 and 0.00671; ExAC 0.00875; ESP Exome Variant Server 0.02658; gnomAD 0.02794 and 0.02981; 1000 Genomes Project 30x 0.03014; 1000 Genomes Project 0.03015; TOPMed 0.03143.
gnomAD v4.1: 8,384 of 1,613,852 alleles (0.52%); highest among the groups gnomAD compares: African/African-American, 9.7%; 380 homozygotes.

Submissions (4):

Labcorp Genetics (formerly Invitae), Labcorp
Classification: Benign. Last evaluated: 2019-12-31. Review status: criteria provided, single submitter. Criteria: Invitae Variant Classification Sherloc (09022015). Collection method: clinical testing. Allele origin: germline.

GeneDx
Classification: Benign. Last evaluated: 2017-12-18. Review status: criteria provided, single submitter. Criteria: GeneDx Variant Classification (06012015). Collection method: clinical testing. Allele origin: germline. Affected: yes.
Comment: This variant is considered likely benign or benign based on one or more of the following criteria: it is a conservative change, it occurs at a poorly conserved position in the protein, it is predicted to be benign by multiple in silico algorithms, and/or has population frequency not consistent with disease.

Breakthrough Genomics
Classification: Benign. Review status: criteria provided, single submitter. Criteria: ACMG Guidelines, 2015. Collection method: not provided. Allele origin: germline. Inheritance: Unknown mechanism. Affected: yes.

PreventionGenetics, part of Exact Sciences
Classification: Benign for MYO1F-related condition. Last evaluated: 2019-04-24. Review status: no assertion criteria provided. Collection method: clinical testing. Allele origin: germline. Not counted in ClinVar's aggregate classification.
Comment: This variant is classified as benign based on ACMG/AMP sequence variant interpretation guidelines (Richards et al. 2015 PMID: 25741868, with internal and published modifications).

NM_012335.4(MYO1F):c.3015A>G (p.Thr1005=)

Gene: MYO1F (myosin IF; minus strand). Cytogenetic location: 19p13.2.
Variant type: single nucleotide variant.
Coding change: c.3015A>G on transcript NM_012335.4 (MANE Select); coding-DNA position 3015, A replaced by G.
Protein change: p.Thr1005=; no amino-acid change (threonine 1005 retained).
Molecular consequence: synonymous variant.
Genome position (GRCh38, 1-based): chr19:8,522,669, T>C on the plus strand (A>G on the coding strand, the complement: MYO1F is on the minus strand). VCF-style: chr19-8522669-T-C. GRCh37 (hg19) VCF-style: chr19-8587553-T-C.
Other names: c.3003A>G, p.Thr1001= (NM_001348355.2).
Identifiers: ClinVar variation 509131 (VCV000509131.8), dbSNP rs73922133, ClinGen allele CA9158706.